The following is an entry in ClinVar:

ClinVar aggregate classification (germline): Uncertain significance (1 of 4 stars; one submission).

Allele frequency attached by ClinVar (database versions not stated): gnomAD 0.00001.

Submission:

Labcorp Genetics (formerly Invitae), Labcorp
Classification: Uncertain significance. Last evaluated: 2024-02-24. Review status: criteria provided, single submitter. Criteria: Invitae Variant Classification Sherloc (09022015). Collection method: clinical testing. Allele origin: germline.
Comment: This sequence change falls in intron 3 of the TAPT1 gene. It does not directly change the encoded amino acid sequence of the TAPT1 protein. It affects a nucleotide within the consensus splice site. This variant is not present in population databases (gnomAD no frequency). This variant has not been reported in the literature in individuals affected with TAPT1-related conditions. ClinVar contains an entry for this variant (Variation ID: 1467795). Variants that disrupt the consensus splice site are a relatively common cause of aberrant splicing (PMID: 17576681, 9536098). Algorithms developed to predict the effect of sequence changes on RNA splicing suggest that this variant may disrupt the consensus splice site. In summary, the available evidence is currently insufficient to determine the role of this variant in disease. Therefore, it has been classified as a Variant of Uncertain Significance.

Literature cited by the submitters: PubMed 17576681; PubMed 9536098.

NM_153365.3(TAPT1):c.449+3A>C

Gene: TAPT1 (transmembrane anterior posterior transformation 1; minus strand). Cytogenetic location: 4p15.32.
Variant type: single nucleotide variant.
Coding change: c.449+3A>C on transcript NM_153365.3 (MANE Select); 3 bases into the intron after coding-DNA position 449, A replaced by C.
Molecular consequence: intron variant.
Genome position (GRCh38, 1-based): chr4:16,202,459, T>G on the plus strand (A>C on the coding strand, the complement: TAPT1 is on the minus strand). VCF-style: chr4-16202459-T-G. GRCh37 (hg19) VCF-style: chr4-16204082-T-G.
Identifiers: ClinVar variation 1467795 (VCV001467795.6), dbSNP rs1750092057, ClinGen allele CA1059689423.